The following is an entry in ClinVar:

ClinVar aggregate classification (germline): Conflicting classifications of pathogenicity. Review status: criteria provided, conflicting classifications (1 of 4 stars). 4 submissions from 4 submitters: Uncertain significance (2); Likely benign (2). Last evaluated 2026-01-13.

Conditions:
PKHD1-related disorder. Also called: PKHD1-related condition.
Autosomal recessive polycystic kidney disease (ARPKD). Also called: AR polycystic kidney disease. Identifiers: Orphanet 731, Orphanet 8378, MedGen C0085548, MeSH D017044, MONDO:0009889.

Allele frequency attached by ClinVar (database versions not stated): gnomAD 0.00011 and 0.00013; gnomAD exomes 0.00012 and 0.00023; 1000 Genomes Project 30x 0.00016; ExAC 0.00017; 1000 Genomes Project 0.00020; TOPMed 0.00020.
gnomAD v4.1: 357 of 1,613,252 alleles (0.022%); highest among the groups gnomAD compares: Non-Finnish European, 0.028%; no homozygotes.

Submissions (4):

Labcorp Genetics (formerly Invitae), Labcorp
Classification: Likely benign for Autosomal recessive polycystic kidney disease. Last evaluated: 2026-01-13. Review status: criteria provided, single submitter. Criteria: Invitae Variant Classification Sherloc (09022015). Collection method: clinical testing. Allele origin: germline.

PreventionGenetics, part of Exact Sciences
Classification: Likely benign for PKHD1-related condition. Last evaluated: 2025-05-28. Review status: criteria provided, single submitter. Criteria: ACMG Guidelines, 2015. Collection method: clinical testing. Allele origin: germline.
Comment: This variant is classified as likely benign based on ACMG/AMP sequence variant interpretation guidelines (Richards et al. 2015 PMID: 25741868, with internal and published modifications).

Illumina Laboratory Services, Illumina
Classification: Uncertain significance for Polycystic kidney disease 4. Last evaluated: 2018-01-12. Review status: criteria provided, single submitter. Criteria: ICSL Variant Classification Criteria 13 December 2019. Collection method: clinical testing. Allele origin: germline.

Eurofins Ntd Llc (ga)
Classification: Uncertain significance. Last evaluated: 2017-04-07. Review status: criteria provided, single submitter. Criteria: EGL Classification Definitions 2015. Collection method: clinical testing. Allele origin: germline. Observed: 1 variant allele, 1 heterozygote.

NM_138694.4(PKHD1):c.7221T>C (p.Phe2407=)

Gene: PKHD1 (PKHD1 ciliary IPT domain containing fibrocystin/polyductin; minus strand). Cytogenetic location: 6p12.2.
Variant type: single nucleotide variant.
Coding change: c.7221T>C on transcript NM_138694.4 (MANE Select); coding-DNA position 7221, T replaced by C.
Protein change: p.Phe2407=; no amino-acid change (phenylalanine 2407 retained).
Molecular consequence: synonymous variant.
Genome position (GRCh38, 1-based): chr6:51,883,222, A>G on the plus strand (T>C on the coding strand, the complement: PKHD1 is on the minus strand). VCF-style: chr6-51883222-A-G. GRCh37 (hg19) VCF-style: chr6-51748020-A-G.
Other names: c.7221T>C, p.Phe2407= (NM_170724.3).
Identifiers: ClinVar variation 357431 (VCV000357431.21), dbSNP rs199559837, ClinGen allele CA3851995.
Genomic context (GRCh38, chr6:51,883,222, plus strand): 5'-AATTCCAAAATCTCTGCATGAATAAACTTTGAAGTTTTTCAGGCGAAGATTGCTACTTCT[A>G]AAAATCTATAAAATACAGCATGTTACAGCAAAGGTCTGAGGCTTGGTTTTTCTTGCGGAC-3'
Protein context (NP_619639.3, residues 2397-2417): VWESAGGAQI[Phe2407=]RSSNLRLKNF